The following is an entry in ClinVar:

NM_138420.4(AHNAK2):c.6597T>G (p.Thr2199=)

Gene: AHNAK2 (AHNAK nucleoprotein 2; minus strand). Cytogenetic location: 14q32.33.
Variant type: single nucleotide variant.
Coding change: c.6597T>G on transcript NM_138420.4 (MANE Select); coding-DNA position 6597, T replaced by G.
Protein change: p.Thr2199=; no amino-acid change (threonine 2199 retained).
Molecular consequence: synonymous variant.
Genome position (GRCh38, 1-based): chr14:104,948,854, A>C on the plus strand (T>G on the coding strand, the complement: AHNAK2 is on the minus strand). VCF-style: chr14-104948854-A-C. GRCh37 (hg19) VCF-style: chr14-105415191-A-C.
Other names: c.6297T>G, p.Thr2099= (NM_001350929.2).
Identifiers: ClinVar variation 2644737 (VCV002644737.24), dbSNP rs113339061, ClinGen allele CA7381039.

ClinVar aggregate classification (germline): Likely benign (1 of 4 stars; one submission).

Allele frequency attached by ClinVar (database versions not stated): ExAC 0.00029; 1000 Genomes Project 30x 0.00062.
gnomAD v4.1: 746 of 1,610,630 alleles (0.046%); highest among the groups gnomAD compares: Non-Finnish European, 0.056%; 3 homozygotes.

Submission:

CeGaT Center for Human Genetics Tuebingen
Classification: Likely benign. Last evaluated: 2022-12-01. Review status: criteria provided, single submitter. Criteria: CeGaT Center For Human Genetics Tuebingen Variant Classification Criteria Version 2. Collection method: clinical testing. Allele origin: germline. Affected: yes. Observed: 1 variant allele.
Comment: AHNAK2: BP4, BP7